The following is an entry in ClinVar:

NM_003638.3(ITGA8):c.2174dup (p.Cys726fs)

Gene: ITGA8 (integrin subunit alpha 8; minus strand). Cytogenetic location: 10p13.
Variant type: Duplication.
Coding change: c.2174dup on transcript NM_003638.3 (MANE Select); coding-DNA position 2174, one base duplicated (T; older notation c.2174dupT).
Protein change: p.Cys726fs; shifts the reading frame from cysteine 726.
Molecular consequence: frameshift variant.
Genome position (GRCh38, 1-based): chr10:15,597,244, A duplicated on the plus strand (T on the coding strand, the reverse complement: ITGA8 is on the minus strand). VCF-style (leftmost placement, unchanged base first): chr10-15597243-C-CA. GRCh37 (hg19) VCF-style: chr10-15639242-C-CA.
Other names: c.2174dupT (NM_003638.2); c.2129dup, p.Cys711fs (NM_001291494.2); short protein forms C711fs, C726fs.
Identifiers: ClinVar variation 450375 (VCV000450375.2), dbSNP rs1554775668, ClinGen allele CA658657953.

ClinVar aggregate classification (germline): Pathogenic (1 of 4 stars; one submission).

Submission:

GeneDx
Classification: Pathogenic. Last evaluated: 2017-07-12. Review status: criteria provided, single submitter. Criteria: GeneDx Variant Classification (06012015). Collection method: clinical testing. Allele origin: germline. Affected: yes.
Comment: The c.2174dupT pathogenic variant in the ITGA8 gene has not been reported previously as a pathogenic variant, nor as a benign variant, to our knowledge. The c.2174dupT variant causes a frameshift starting with codon Cysteine 726, changes this amino acid to a Valine residue, and creates a premature Stop codon at position 2 of the new reading frame, denoted p.Cys726ValfsX2. This variant is predicted to cause loss of normal protein function either through protein truncation or nonsense-mediated mRNA decay. The c.2174dupT variant is not observed in large population cohorts (Lek et al., 2016; 1000 Genomes Consortium et al., 2015; Exome Variant Server). We interpret c.2174dupT as a pathogenic variant.